The following is an entry in ClinVar:

NM_024921.4(POF1B):c.85C>A (p.His29Asn)

Gene: POF1B (POF1B actin binding protein; minus strand). Cytogenetic location: Xq21.1.
Variant type: single nucleotide variant.
Coding change: c.85C>A on transcript NM_024921.4 (MANE Select); coding-DNA position 85, C replaced by A.
Protein change: p.His29Asn; replaces histidine 29 with asparagine.
Molecular consequence: missense variant.
Genome position (GRCh38, 1-based): chrX:85,379,370, G>T on the plus strand (C>A on the coding strand, the complement: POF1B is on the minus strand). VCF-style: chrX-85379370-G-T. GRCh37 (hg19) VCF-style: chrX-84634375-G-T.
Other names: c.85C>A, p.His29Asn (NM_001307940.2); short protein forms H29N.
Identifiers: ClinVar variation 913301 (VCV000913301.9), dbSNP rs145288396, ClinGen allele CA10465251.

ClinVar aggregate classification (germline): Conflicting classifications of pathogenicity. Review status: criteria provided, conflicting classifications (1 of 4 stars). 4 submissions from 4 submitters: Uncertain significance (1); Likely benign (1). 2 of the submissions do not count toward it. Last evaluated 2025-05-01.

Conditions:
Premature ovarian failure 2B. Identifiers: MedGen C1845105, MONDO:0010373, OMIM 300604.

Allele frequency attached by ClinVar (database versions not stated): TOPMed 0.00038; ExAC 0.00015; gnomAD 0.00032 and 0.00039; gnomAD exomes 0.00039 and 0.00014; ESP Exome Variant Server 0.00057.
gnomAD v4.1: 472 of 1,207,408 alleles (0.039%); highest among the groups gnomAD compares: Non-Finnish European, 0.05%; 1 homozygote.

Submissions (4):

Ambry Genetics
Classification: Uncertain significance. Last evaluated: 2025-05-01. Review status: criteria provided, single submitter. Criteria: Ambry Variant Classification Scheme 2023. Collection method: clinical testing. Allele origin: germline.

Illumina Laboratory Services, Illumina
Classification: Likely benign for Premature ovarian failure 2B. Last evaluated: 2018-01-12. Review status: criteria provided, single submitter. Criteria: ICSL Variant Classification Criteria 13 December 2019. Collection method: clinical testing. Allele origin: germline.
Comment: This variant was observed in the ICSL laboratory as part of a predisposition screen in an ostensibly healthy population. It had not been previously curated by ICSL or reported in the Human Gene Mutation Database (HGMD: prior to June 1st, 2018), and was therefore a candidate for classification through an automated scoring system. Utilizing variant allele frequency, disease prevalence and penetrance estimates, and inheritance mode, an automated score was calculated to assess if this variant is too frequent to cause the disease. Based on the score and internal cut-off values, a variant classified as likely benign is not then subjected to further curation. The score for this variant resulted in a classification of likely benign for this disease.

Clinical Genetics DNA and cytogenetics Diagnostics Lab, Erasmus MC, Erasmus Medical Center
Classification: Likely benign. Review status: no assertion criteria provided. Collection method: clinical testing. Allele origin: germline. Affected: yes. Study: VKGL Data-share Consensus. Not counted in ClinVar's aggregate classification.

Genome Diagnostics Laboratory, University Medical Center Utrecht
Classification: Likely benign. Review status: no assertion criteria provided. Collection method: clinical testing. Allele origin: germline. Affected: yes. Study: VKGL Data-share Consensus. Not counted in ClinVar's aggregate classification.